The following is an entry in ClinVar:

ClinVar aggregate classification (germline): Uncertain significance (1 of 4 stars; one submission).

Allele frequency attached by ClinVar (database versions not stated): ExAC 0.00003; gnomAD 0.00005; TOPMed 0.00005; ESP Exome Variant Server 0.00015; gnomAD exomes 0.00026.
gnomAD v4.1: 380 of 1,613,668 alleles (0.024%); highest among the groups gnomAD compares: Non-Finnish European, 0.032%; 1 homozygote.

Submission:

Labcorp Genetics (formerly Invitae), Labcorp
Classification: Uncertain significance. Last evaluated: 2022-03-28. Review status: criteria provided, single submitter. Criteria: Invitae Variant Classification Sherloc (09022015). Collection method: clinical testing. Allele origin: germline.
Comment: Algorithms developed to predict the effect of missense changes on protein structure and function are either unavailable or do not agree on the potential impact of this missense change (SIFT: "Deleterious"; PolyPhen-2: "Benign"; Align-GVGD: "Class C0"). This variant has not been reported in the literature in individuals affected with HACE1-related conditions. This variant is present in population databases (rs375832178, gnomAD 0.02%). This sequence change replaces alanine, which is neutral and non-polar, with threonine, which is neutral and polar, at codon 439 of the HACE1 protein (p.Ala439Thr). In summary, the available evidence is currently insufficient to determine the role of this variant in disease. Therefore, it has been classified as a Variant of Uncertain Significance.

NM_020771.4(HACE1):c.1315G>A (p.Ala439Thr)

Gene: HACE1 (HECT domain and ankyrin repeat containing E3 ubiquitin protein ligase 1; minus strand). Cytogenetic location: 6q16.3.
Variant type: single nucleotide variant.
Coding change: c.1315G>A on transcript NM_020771.4 (MANE Select); coding-DNA position 1315, G replaced by A.
Protein change: p.Ala439Thr; replaces alanine 439 with threonine.
Molecular consequence: missense variant. On other transcripts: non-coding transcript variant (7).
Genome position (GRCh38, 1-based): chr6:104,785,079, C>T on the plus strand (G>A on the coding strand, the complement: HACE1 is on the minus strand). VCF-style: chr6-104785079-C-T. GRCh37 (hg19) VCF-style: chr6-105232954-C-T.
Other names: c.1183G>A, p.Ala395Thr (NM_001321080.2); c.1213G>A, p.Ala405Thr (NM_001321083.2); c.811G>A, p.Ala271Thr (NM_001321084.2, NM_001350557.2, NM_001350558.2); c.1081G>A, p.Ala361Thr (NM_001350554.2); c.1024G>A, p.Ala342Thr (NM_001350555.2); c.829G>A, p.Ala277Thr (NM_001350556.2); c.733G>A, p.Ala245Thr (NM_001350559.2); c.532G>A, p.Ala178Thr (NM_001350560.2); short protein forms A178T, A271T, A395T, A405T, A439T, A342T, A277T, A361T.
Identifiers: ClinVar variation 2201718 (VCV002201718.3), dbSNP rs375832178, ClinGen allele CA3940289.